The following is an entry in ClinVar:

NM_199420.4(POLQ):c.3254A>G (p.Asp1085Gly)

Gene: POLQ (DNA polymerase theta; minus strand). Cytogenetic location: 3q13.33.
Variant type: single nucleotide variant.
Coding change: c.3254A>G on transcript NM_199420.4 (MANE Select); coding-DNA position 3254, A replaced by G.
Protein change: p.Asp1085Gly; replaces aspartic acid 1085 with glycine.
Molecular consequence: missense variant.
Genome position (GRCh38, 1-based): chr3:121,489,677, T>C on the plus strand (A>G on the coding strand, the complement: POLQ is on the minus strand). VCF-style: chr3-121489677-T-C. GRCh37 (hg19) VCF-style: chr3-121208524-T-C.
Other names: short protein forms D1085G.
Identifiers: ClinVar variation 1729446 (VCV001729446.2), dbSNP rs2546787622, ClinGen allele CA354101004.

ClinVar aggregate classification (germline): Uncertain significance (1 of 4 stars; one submission).

Allele frequency attached by ClinVar (database versions not stated): gnomAD exomes below 0.00001.
gnomAD v4.1: 1 of 1,614,042 alleles (0.000062%); highest among the groups gnomAD compares: Non-Finnish European, 0.000085%; no homozygotes.

Submission:

Ambry Genetics
Classification: Uncertain significance. Last evaluated: 2022-04-24. Review status: criteria provided, single submitter. Criteria: Ambry Variant Classification Scheme 2023. Collection method: clinical testing. Allele origin: germline.
Comment: The p.D1085G variant (also known as c.3254A>G), located in coding exon 16 of the POLQ gene, results from an A to G substitution at nucleotide position 3254. The aspartic acid at codon 1085 is replaced by glycine, an amino acid with similar properties. This amino acid position is conserved. In addition, this alteration is predicted to be tolerated by in silico analysis. Since supporting evidence is limited at this time, the clinical significance of this alteration remains unclear.